The following is an entry in ClinVar:

ClinVar aggregate classification (germline): Uncertain significance. Review status: criteria provided, multiple submitters, no conflicts (2 of 4 stars). 3 submissions from 3 submitters: Uncertain significance (2). 1 of the submissions does not count toward it. Last evaluated 2021-08-27.

Conditions:
Congenital myasthenic syndrome (CMS). Also called: Congenital Myasthenic Syndromes. Identifiers: Orphanet 590, MedGen C0751882, MeSH D020294, MONDO:0018940.
Congenital myasthenic syndrome 11. Also called: MYASTHENIC SYNDROME, CONGENITAL, Ie; Myasthenic syndrome, congenital, 11, associated with acetylcholine receptor deficiency. Identifiers: Orphanet 590, MedGen C4225367, MONDO:0014588, OMIM 616326.
Fetal akinesia deformation sequence 1 (FADS1). Also called: Pena-Shokeir syndrome type I; Fetal akinesia sequence. Identifiers: Orphanet 994, MedGen C1276035, MONDO:0100101, OMIM 208150, HP:0001989.

Allele frequency attached by ClinVar (database versions not stated): gnomAD exomes 0.00001; ExAC 0.00002; TOPMed 0.00006.
gnomAD v4.1: 2 of 1,614,100 alleles (0.00012%); highest among the groups gnomAD compares: African/African-American, 0.0027%; no homozygotes.

Submissions (3):

Labcorp Genetics (formerly Invitae), Labcorp
Classification: Uncertain significance for Congenital myasthenic syndrome 11; Fetal akinesia deformation sequence 1. Last evaluated: 2021-08-27. Review status: criteria provided, single submitter. Criteria: Invitae Variant Classification Sherloc (09022015). Collection method: clinical testing. Allele origin: germline.
Comment: This sequence change replaces asparagine with isoleucine at codon 20 of the RAPSN protein (p.Asn20Ile). The asparagine residue is highly conserved and there is a large physicochemical difference between asparagine and isoleucine. This variant is present in population databases (rs747627949, ExAC 0.02%). This variant has not been reported in the literature in individuals affected with RAPSN-related conditions. Algorithms developed to predict the effect of missense changes on protein structure and function (SIFT, PolyPhen-2, Align-GVGD) all suggest that this variant is likely to be disruptive. In summary, the available evidence is currently insufficient to determine the role of this variant in disease. Therefore, it has been classified as a Variant of Uncertain Significance.

Revvity Omics, Revvity
Classification: Uncertain significance. Last evaluated: 2019-05-09. Review status: criteria provided, single submitter. Criteria: ACMG Guidelines, 2015. Collection method: clinical testing. Allele origin: germline.

Natera, Inc.
Classification: Uncertain significance for Congenital myasthenic syndrome. Last evaluated: 2020-09-16. Review status: no assertion criteria provided. Collection method: clinical testing. Allele origin: germline. Not counted in ClinVar's aggregate classification.

NM_005055.5(RAPSN):c.59A>T (p.Asn20Ile)

Gene: RAPSN (receptor associated protein of the synapse; minus strand). Cytogenetic location: 11p11.2.
Variant type: single nucleotide variant.
Coding change: c.59A>T on transcript NM_005055.5 (MANE Select); coding-DNA position 59, A replaced by T.
Protein change: p.Asn20Ile; replaces asparagine 20 with isoleucine.
Molecular consequence: missense variant.
Genome position (GRCh38, 1-based): chr11:47,448,906, T>A on the plus strand (A>T on the coding strand, the complement: RAPSN is on the minus strand). VCF-style: chr11-47448906-T-A. GRCh37 (hg19) VCF-style: chr11-47470458-T-A.
Other names: c.59A>T, p.Asn20Ile (NM_032645.5); short protein forms N20I.
Identifiers: ClinVar variation 582364 (VCV000582364.9), dbSNP rs747627949, ClinGen allele CA5976847.
Genomic context (GRCh38, chr11:47,448,906, plus strand): 5'-ATGAGGTCCGAGCTCTTCTCCAGCACCTTTGTCCACACCTGCAATGCCTTCTCTGTCTGG[T>A]TGGACTGGTACAGCTGGAGCCCCTTCTCGATCTGCTGCTTGGTCTGGTCCTGCCCCATCC-3'
Protein context (NP_005046.2, residues 10-30): IEKGLQLYQS[Asn20Ile]QTEKALQVWT